The following is an entry in ClinVar:

ClinVar aggregate classification (germline): Uncertain significance (1 of 4 stars; one submission).

Conditions:
Glycine encephalopathy. Also called: Nonketotic hyperglycinemia; Non-ketotic hyperglycinemia. Identifiers: Orphanet 407, MedGen C0751748, MONDO:0011612, HP:0008288.

Submission:

Labcorp Genetics (formerly Invitae), Labcorp
Classification: Uncertain significance for Glycine encephalopathy. Last evaluated: 2021-11-01. Review status: criteria provided, single submitter. Criteria: Invitae Variant Classification Sherloc (09022015). Collection method: clinical testing. Allele origin: germline.
Comment: In summary, the available evidence is currently insufficient to determine the role of this variant in disease. Therefore, it has been classified as a Variant of Uncertain Significance. Advanced modeling of protein sequence and biophysical properties (such as structural, functional, and spatial information, amino acid conservation, physicochemical variation, residue mobility, and thermodynamic stability) performed at Invitae indicates that this missense variant is expected to disrupt GLDC protein function. This variant has not been reported in the literature in individuals affected with GLDC-related conditions. This variant is not present in population databases (gnomAD no frequency). This sequence change replaces alanine, which is neutral and non-polar, with glycine, which is neutral and non-polar, at codon 192 of the GLDC protein (p.Ala192Gly).

NM_000170.3(GLDC):c.575C>G (p.Ala192Gly)

Gene: GLDC (glycine decarboxylase; minus strand). Cytogenetic location: 9p24.1.
Variant type: single nucleotide variant.
Coding change: c.575C>G on transcript NM_000170.3 (MANE Select); coding-DNA position 575, C replaced by G.
Protein change: p.Ala192Gly; replaces alanine 192 with glycine.
Molecular consequence: missense variant.
Genome position (GRCh38, 1-based): chr9:6,610,252, G>C on the plus strand (C>G on the coding strand, the complement: GLDC is on the minus strand). VCF-style: chr9-6610252-G-C. GRCh37 (hg19) VCF-style: chr9-6610252-G-C.
Other names: short protein forms A192G.
Identifiers: ClinVar variation 1390695 (VCV001390695.6), dbSNP rs2129916367, ClinGen allele CA372898312.